The following is an entry in ClinVar:

NM_014845.6(FIG4):c.1834A>G (p.Thr612Ala)

Gene: FIG4 (FIG4 phosphoinositide 5-phosphatase; plus strand). Cytogenetic location: 6q21.
Variant type: single nucleotide variant.
Coding change: c.1834A>G on transcript NM_014845.6 (MANE Select); coding-DNA position 1834, A replaced by G.
Protein change: p.Thr612Ala; replaces threonine 612 with alanine.
Molecular consequence: missense variant.
Genome position (GRCh38, 1-based): chr6:109,777,005, A>G. VCF-style: chr6-109777005-A-G. GRCh37 (hg19) VCF-style: chr6-110098208-A-G.
Other names: short protein forms T612A.
Identifiers: ClinVar variation 954958 (VCV000954958.7), dbSNP rs758695444, ClinGen allele CA3956189.

ClinVar aggregate classification (germline): Uncertain significance. Review status: criteria provided, multiple submitters, no conflicts (2 of 4 stars). 3 submissions from 3 submitters: Uncertain significance (3). Last evaluated 2026-01-17.

Conditions:
Charcot-Marie-Tooth disease type 4. Also called: Charcot-Marie-Tooth disease, type IV; Charcot-Marie-Tooth, Type 4. Identifiers: Orphanet 64749, MedGen C4082197, MONDO:0018995.
Inborn genetic diseases. Identifiers: MedGen C0950123, MeSH D030342.

Allele frequency attached by ClinVar (database versions not stated): gnomAD exomes 0.00001; TOPMed 0.00001; ExAC 0.00002.
gnomAD v4.1: 17 of 1,613,760 alleles (0.0011%); highest among the groups gnomAD compares: South Asian, 0.0044%; no homozygotes.

Submissions (3):

Ambry Genetics
Classification: Uncertain significance for Inborn genetic diseases. Last evaluated: 2026-01-17. Review status: criteria provided, single submitter. Criteria: Ambry Variant Classification Scheme 2023. Collection method: clinical testing. Allele origin: germline.
Comment: The p.T612A variant (also known as c.1834A>G), located in coding exon 16 of the FIG4 gene, results from an A to G substitution at nucleotide position 1834. The threonine at codon 612 is replaced by alanine, an amino acid with similar properties. This amino acid position is conserved. In addition, the in silico prediction for this alteration is inconclusive. Based on the available evidence, the clinical significance of this variant remains unclear.

Blueprint Genetics
Classification: Uncertain significance. Last evaluated: 2023-11-06. Review status: criteria provided, single submitter. Criteria: ACMG Guidelines, 2015. Collection method: clinical testing. Allele origin: germline.

Labcorp Genetics (formerly Invitae), Labcorp
Classification: Uncertain significance for Charcot-Marie-Tooth disease type 4. Last evaluated: 2021-08-31. Review status: criteria provided, single submitter. Criteria: Invitae Variant Classification Sherloc (09022015). Collection method: clinical testing. Allele origin: germline.